The following is an entry in ClinVar:

NM_001282225.2(ADA2):c.434A>C (p.Gln145Pro)

Gene: ADA2 (adenosine deaminase 2; minus strand). Cytogenetic location: 22q11.1.
Variant type: single nucleotide variant.
Coding change: c.434A>C on transcript NM_001282225.2 (MANE Select); coding-DNA position 434, A replaced by C.
Protein change: p.Gln145Pro; replaces glutamine 145 with proline.
Molecular consequence: missense variant.
Genome position (GRCh38, 1-based): chr22:17,207,179, T>G on the plus strand (A>C on the coding strand, the complement: ADA2 is on the minus strand). VCF-style: chr22-17207179-T-G. GRCh37 (hg19) VCF-style: chr22-17688069-T-G.
Other names: c.434A>C, p.Gln145Pro (NM_001282226.2); c.308A>C, p.Gln103Pro (NM_001282227.2, NM_001282228.2); c.74A>C, p.Gln25Pro (NM_001282229.2); short protein forms Q145P, Q103P, Q25P.
Identifiers: ClinVar variation 474908 (VCV000474908.10), dbSNP rs1437000359, ClinGen allele CA410229714.

ClinVar aggregate classification (germline): Uncertain significance. Review status: criteria provided, multiple submitters, no conflicts (2 of 4 stars). 2 submissions from 2 submitters: Uncertain significance (2). Last evaluated 2025-04-13.

Conditions:
Deficiency of adenosine deaminase 2. Also called: Polyarteritis nodosa, childhoood-onset; Adenosine Deaminase 2 Deficiency; VASCULITIS, AUTOINFLAMMATION, IMMUNODEFICIENCY, AND HEMATOLOGIC DEFECTS SYNDROME. Identifiers: Orphanet 404553, MedGen C3887654, MONDO:0014306, OMIM 615688, MONDO:0100317.
Sneddon syndrome (SNDNS). Also called: Idiopathic livedo reticularis with systemic involvement; LIVEDO RETICULARIS AND CEREBROVASCULAR ACCIDENTS. Identifiers: Orphanet 820, MedGen C0282492, MONDO:0008436, OMIM 182410.

Submissions (2):

Labcorp Genetics (formerly Invitae), Labcorp
Classification: Uncertain significance for Deficiency of adenosine deaminase 2. Last evaluated: 2025-04-13. Review status: criteria provided, single submitter. Criteria: Invitae Variant Classification Sherloc (09022015). Collection method: clinical testing. Allele origin: germline.
Comment: This sequence change replaces glutamine, which is neutral and polar, with proline, which is neutral and non-polar, at codon 145 of the ADA2 protein (p.Gln145Pro). This variant is not present in population databases (gnomAD no frequency). This variant has not been reported in the literature in individuals affected with ADA2-related conditions. ClinVar contains an entry for this variant (Variation ID: 474908). Invitae Evidence Modeling of protein sequence and biophysical properties (such as structural, functional, and spatial information, amino acid conservation, physicochemical variation, residue mobility, and thermodynamic stability) has been performed for this missense variant. However, the output from this modeling did not meet the statistical confidence thresholds required to predict the impact of this variant on ADA2 protein function. In summary, the available evidence is currently insufficient to determine the role of this variant in disease. Therefore, it has been classified as a Variant of Uncertain Significance.

Fulgent Genetics
Classification: Uncertain significance for Sneddon syndrome; Deficiency of adenosine deaminase 2. Last evaluated: 2021-12-08. Review status: criteria provided, single submitter. Criteria: ACMG Guidelines, 2015. Collection method: clinical testing. Allele origin: unknown.